The following is an entry in ClinVar:

NM_001142864.4(PIEZO1):c.1179C>T (p.Ser393=)

Genes: HSALR1 (HSP90AB1 associated lncRNA 1; plus strand), PIEZO1 (piezo type mechanosensitive ion channel component 1 (Er blood group); minus strand), LOC130059751 (ATAC-STARR-seq lymphoblastoid silent region 7872; plus strand). Cytogenetic location: 16q24.3.
Variant type: single nucleotide variant.
Coding change: c.1179C>T on transcript NM_001142864.4 (MANE Select); coding-DNA position 1179, C replaced by T.
Protein change: p.Ser393=; no amino-acid change (serine 393 retained).
Molecular consequence: synonymous variant.
Genome position (GRCh38, 1-based): chr16:88,737,575, G>A on the plus strand (C>T on the coding strand, the complement: PIEZO1 is on the minus strand). VCF-style: chr16-88737575-G-A. GRCh37 (hg19) VCF-style: chr16-88803983-G-A.
Other names: p.Ser393=.
Identifiers: ClinVar variation 4684155 (VCV004684155.1).

ClinVar aggregate classification (germline): Likely benign (1 of 4 stars; one submission).

gnomAD v4.1: 14 of 1,533,774 alleles (0.00091%); highest among the groups gnomAD compares: African/African-American, 0.0069%; no homozygotes.

Submission:

Mayo Clinic Laboratories, Mayo Clinic
Classification: Likely benign. Last evaluated: 2025-08-12. Review status: criteria provided, single submitter. Criteria: ACMG Guidelines, 2015. Collection method: clinical testing. Allele origin: germline. Observed: 1 variant allele.
Comment: BP4, BP7